The following is an entry in ClinVar:

ClinVar aggregate classification (germline): Uncertain significance. Review status: criteria provided, multiple submitters, no conflicts (2 of 4 stars). 2 submissions from 2 submitters: Uncertain significance (2). Last evaluated 2025-12-08.

Conditions:
Inborn genetic diseases. Identifiers: MedGen C0950123, MeSH D030342.
Developmental and epileptic encephalopathy, 23 (DEE23). Also called: Epileptic encephalopathy, early infantile, 23. Identifiers: Orphanet 411986, MedGen C4014492, MONDO:0014371, OMIM 615859.

Allele frequency attached by ClinVar (database versions not stated): gnomAD 0.00002 and 0.00001; gnomAD exomes below 0.00001; TOPMed 0.00002.
gnomAD v4.1: 4 of 1,613,818 alleles (0.00025%); highest among the groups gnomAD compares: Non-Finnish European, 0.00034%; no homozygotes.

Submissions (2):

Ambry Genetics
Classification: Uncertain significance for Inborn genetic diseases. Last evaluated: 2025-12-08. Review status: criteria provided, single submitter. Criteria: Ambry Variant Classification Scheme 2023. Collection method: clinical testing. Allele origin: germline.

Labcorp Genetics (formerly Invitae), Labcorp
Classification: Uncertain significance for Developmental and epileptic encephalopathy, 23. Last evaluated: 2021-08-24. Review status: criteria provided, single submitter. Criteria: Invitae Variant Classification Sherloc (09022015). Collection method: clinical testing. Allele origin: germline.
Comment: This sequence change replaces serine with glycine at codon 92 of the DOCK7 protein (p.Ser92Gly). The serine residue is weakly conserved and there is a small physicochemical difference between serine and glycine. This variant is not present in population databases (ExAC no frequency). This variant has not been reported in the literature in individuals affected with DOCK7-related conditions. Algorithms developed to predict the effect of missense changes on protein structure and function (SIFT, PolyPhen-2, Align-GVGD) all suggest that this variant is likely to be tolerated. In summary, the available evidence is currently insufficient to determine the role of this variant in disease. Therefore, it has been classified as a Variant of Uncertain Significance.

NM_001367561.1(DOCK7):c.274A>G (p.Ser92Gly)

Gene: DOCK7 (dedicator of cytokinesis 7; minus strand). Cytogenetic location: 1p31.3.
Variant type: single nucleotide variant.
Coding change: c.274A>G on transcript NM_001367561.1 (MANE Select); coding-DNA position 274, A replaced by G.
Protein change: p.Ser92Gly; replaces serine 92 with glycine.
Molecular consequence: missense variant.
Genome position (GRCh38, 1-based): chr1:62,654,030, T>C on the plus strand (A>G on the coding strand, the complement: DOCK7 is on the minus strand). VCF-style: chr1-62654030-T-C. GRCh37 (hg19) VCF-style: chr1-63119701-T-C.
Other names: c.274A>G (NM_033407.2); c.274A>G, p.Ser92Gly (NM_033407.4, NM_001271999.2, NM_001272000.2 and 3 more transcripts); short protein forms S92G.
Identifiers: ClinVar variation 1419283 (VCV001419283.4), dbSNP rs893301224, ClinGen allele CA24019023.